The following is an entry in ClinVar:

NM_000051.4(ATM):c.4845G>T (p.Lys1615Asn)

Gene: ATM (ATM serine/threonine kinase; plus strand). Cytogenetic location: 11q22.3.
Variant type: single nucleotide variant.
Coding change: c.4845G>T on transcript NM_000051.4 (MANE Select); coding-DNA position 4845, G replaced by T.
Protein change: p.Lys1615Asn; replaces lysine 1615 with asparagine.
Molecular consequence: missense variant.
Genome position (GRCh38, 1-based): chr11:108,294,995, G>T. VCF-style: chr11-108294995-G-T. GRCh37 (hg19) VCF-style: chr11-108165722-G-T.
Other names: c.4845G>T, p.Lys1615Asn (NM_001351834.2); short protein forms K1615N.
Identifiers: ClinVar variation 481353 (VCV000481353.15), dbSNP rs888498126, ClinGen allele CA228380733.

ClinVar aggregate classification (germline): Uncertain significance. Review status: criteria provided, multiple submitters, no conflicts (2 of 4 stars). 3 submissions from 3 submitters: Uncertain significance (3). Last evaluated 2025-11-04.

Conditions:
Hereditary cancer-predisposing syndrome. Also called: Hereditary neoplastic syndrome; Neoplastic Syndromes, Hereditary; Tumor predisposition; Hereditary Cancer Syndrome. Identifiers: Orphanet 140162, MedGen C0027672, MeSH D009386, MONDO:0015356.
Ataxia-telangiectasia syndrome (AT). Also called: LOUIS-BAR SYNDROME; Cerebello-oculocutaneous telangiectasia; Immunodeficiency with ataxia telangiectasia; AT, COMPLEMENTATION GROUP C; Ataxia-telangiectasia, complementation group D; ATAXIA-TELANGIECTASIA, COMPLEMENTATION GROUP A. Identifiers: Orphanet 100, MedGen C0004135, MONDO:0008840, OMIM 208900.

Allele frequency attached by ClinVar (database versions not stated): TOPMed 0.00001.

Submissions (3):

Color Diagnostics, LLC DBA Color Health
Classification: Uncertain significance for Hereditary cancer-predisposing syndrome. Last evaluated: 2025-11-04. Review status: criteria provided, single submitter. Criteria: ACMG Guidelines, 2015. Collection method: clinical testing. Allele origin: germline.
Comment: This missense variant replaces lysine with asparagine at codon 1615 of the ATM protein. Computational prediction suggests that this variant may not impact protein structure and function. To our knowledge, functional studies have not been reported for this variant. This variant has not been reported in individuals affected with ATM-related disorders in the literature. This variant has not been identified in the general population by the Genome Aggregation Database (gnomAD). The available evidence is insufficient to determine the role of this variant in disease conclusively. Therefore, this variant is classified as a Variant of Uncertain Significance.

Labcorp Genetics (formerly Invitae), Labcorp
Classification: Uncertain significance for Ataxia-telangiectasia syndrome. Last evaluated: 2025-10-14. Review status: criteria provided, single submitter. Criteria: Invitae Variant Classification Sherloc (09022015). Collection method: clinical testing. Allele origin: germline.
Comment: This sequence change replaces lysine, which is basic and polar, with asparagine, which is neutral and polar, at codon 1615 of the ATM protein (p.Lys1615Asn). This variant is not present in population databases (gnomAD no frequency). This variant has not been reported in the literature in individuals affected with ATM-related conditions. ClinVar contains an entry for this variant (Variation ID: 481353). Invitae Evidence Modeling of protein sequence and biophysical properties (such as structural, functional, and spatial information, amino acid conservation, physicochemical variation, residue mobility, and thermodynamic stability) indicates that this missense variant is not expected to disrupt ATM protein function with a negative predictive value of 95%. In summary, the available evidence is currently insufficient to determine the role of this variant in disease. Therefore, it has been classified as a Variant of Uncertain Significance.

Ambry Genetics
Classification: Uncertain significance for Hereditary cancer-predisposing syndrome. Last evaluated: 2024-01-29. Review status: criteria provided, single submitter. Criteria: Ambry Variant Classification Scheme 2023. Collection method: clinical testing. Allele origin: germline.
Comment: The p.K1615N variant (also known as c.4845G>T), located in coding exon 31 of the ATM gene, results from a G to T substitution at nucleotide position 4845. The lysine at codon 1615 is replaced by asparagine, an amino acid with similar properties. This amino acid position is well conserved in available vertebrate species. In addition, this alteration is predicted to be tolerated by in silico analysis. Since supporting evidence is limited at this time, the clinical significance of this alteration remains unclear.